The following is an entry in ClinVar:

ClinVar aggregate classification (germline): Likely pathogenic. Review status: reviewed by expert panel (3 of 4 stars). 3 submissions from 3 submitters: Likely pathogenic (1). 2 of the submissions do not count toward it. Last evaluated 2025-06-18.

Conditions:
Monogenic diabetes. Identifiers: Orphanet 183625, MedGen C3888631, MONDO:0015967.
Maturity-onset diabetes of the young (MODY). Also called: Maturity onset diabetes mellitus in young. Identifiers: Orphanet 552, MedGen C0342276, MONDO:0018911, HP:0004904.
Maturity-onset diabetes of the young type 3. Also called: MODY type 3; MODY, type III. Identifiers: Orphanet 552, MedGen C1838100, MeSH C563933, MONDO:0010894, OMIM 600496. Disease mechanism: loss of function.

Submissions (3):

ClinGen Monogenic Diabetes Variant Curation Expert Panel
Classification: Likely pathogenic for Monogenic diabetes. Last evaluated: 2025-06-18. Review status: reviewed by expert panel. Criteria: ClinGen Diabetes ACMG Specifications HNF1A V2.1.0. Collection method: curation. Allele origin: germline. Inheritance: Autosomal dominant inheritance.
Comment: The c.518_526+37del variant in the HNF1 homeobox A gene, HNF1A, is a 46 base pair deletion that removes a canonical splice donor site in intron 2 of NM_000545.8. This variant is predicted to: either cause skipping of biologically-relevant exon 2 of 10 or using a cryptic site, both resulting in a frameshift, leading to nonsense mediated decay in a gene in which loss-of-function is an established disease mechanism (PVS1; PMID: 23348805). This variant is also absent from gnomAD v2.1.1 (PM2_Supporting). In summary, c.518_526+37del meets the criteria to be classified as likely pathogenic for monogenic diabetes. ACMG/AMP criteria applied, as specified by the ClinGen MDEP (specification version 2.1.0, approved 8/11/23): PVS1, PM2_Supporting.

Women's Health and Genetics/Laboratory Corporation of America, LabCorp
Classification: Likely pathogenic for Large Deletion. Last evaluated: 2011-08-18. Review status: criteria provided, single submitter. Criteria: LabCorp Variant Classification Summary - May 2015. Collection method: curation, clinical testing. Allele origin: germline. Inheritance: autosomal unknown. Affected: yes. Not counted in ClinVar's aggregate classification.
ClinVar note: Converted during submission from likely pathogenic to Likely pathogenic.

Clinical Genomics, Uppaluri K&H Personalized Medicine Clinic
Classification: Likely risk allele for Maturity-onset diabetes of the young. Review status: criteria provided, single submitter. Criteria: K & H Uppaluri Personalized Medicine Clinic Variant Classification & Assertion Criteria_Updated V.1. Collection method: research. Allele origin: unknown. Inheritance: Autosomal dominant inheritance. Not counted in ClinVar's aggregate classification.
Comment: Mutations in HNF1A gene can predispose to MODY3. It is associated with both micro and macrovascular complications of diabetes, especially cardiovascular complications. Associated with glucosuria. May respond well to sulfonylureas. However, more evidence is required to confer the association of this particular variant rs386134267 with MODY3.

Literature cited by the submitters: PubMed 23348805 (cited by ClinGen Monogenic Diabetes Variant Curation Expert Panel); PubMed 31517624 (cited by Clinical Genomics, Uppaluri K&H Personalized Medicine Clinic); PubMed 32395877 (cited by Clinical Genomics, Uppaluri K&H Personalized Medicine Clinic); PubMed 35328643 (cited by Clinical Genomics, Uppaluri K&H Personalized Medicine Clinic); PubMed 35673428 (cited by Clinical Genomics, Uppaluri K&H Personalized Medicine Clinic).

NM_000545.8(HNF1A):c.518_526+37del

Gene: HNF1A (HNF1 homeobox A; plus strand). Cytogenetic location: 12q24.31.
Variant type: Deletion.
Coding change: c.518_526+37del on transcript NM_000545.8 (MANE Select); coding-DNA position 518 through 37 bases into the intron after coding-DNA position 526, 46 bases deleted.
Molecular consequence: splice donor variant.
Genome position (GRCh38, 1-based): chr12:120,989,024-120,989,069, 46 bases deleted; deleting any 46 consecutive bases within chr12:120,989,020-120,989,069 gives the same sequence; the c. name uses the placement nearest the transcript's 3' end. GRCh37 (hg19): chr12:121,426,827-121,426,872.
Other names: c.518_526+37del (NM_001306179.2).
Identifiers: ClinVar variation 36823 (VCV000036823.8), dbSNP rs386134267, ClinGen allele CA214310.